The following is an entry in ClinVar:

ClinVar aggregate classification (germline): Uncertain significance. Review status: criteria provided, single submitter (1 of 4 stars). 2 submissions from 2 submitters: Uncertain significance (1). 1 of the submissions does not count toward it. Last evaluated 2024-08-12.

Conditions:
Hypophosphatasia. Also called: Phosphoethanol-aminuria. Identifiers: Orphanet 436, MedGen C0020630, MeSH D007014, MONDO:0018570.

Allele frequency attached by ClinVar (database versions not stated): gnomAD exomes below 0.00001; ExAC 0.00001.
gnomAD v4.1: 5 of 1,613,904 alleles (0.00031%); highest among the groups gnomAD compares: South Asian, 0.0055%; no homozygotes.

Submissions (2):

Labcorp Genetics (formerly Invitae), Labcorp
Classification: Uncertain significance. Last evaluated: 2024-08-12. Review status: criteria provided, single submitter. Criteria: Invitae Variant Classification Sherloc (09022015). Collection method: clinical testing. Allele origin: germline.
Comment: This sequence change replaces glutamic acid, which is acidic and polar, with alanine, which is neutral and non-polar, at codon 427 of the ALPL protein (p.Glu427Ala). This variant is present in population databases (rs773907984, gnomAD 0.003%). This variant has not been reported in the literature in individuals affected with ALPL-related conditions. ClinVar contains an entry for this variant (Variation ID: 991461). Advanced modeling of protein sequence and biophysical properties (such as structural, functional, and spatial information, amino acid conservation, physicochemical variation, residue mobility, and thermodynamic stability) has been performed at Invitae for this missense variant, however the output from this modeling did not meet the statistical confidence thresholds required to predict the impact of this variant on ALPL protein function. In summary, the available evidence is currently insufficient to determine the role of this variant in disease. Therefore, it has been classified as a Variant of Uncertain Significance.

Natera, Inc.
Classification: Uncertain significance for Hypophosphatasia. Last evaluated: 2020-08-13. Review status: no assertion criteria provided. Collection method: clinical testing. Allele origin: germline. Not counted in ClinVar's aggregate classification.

NM_000478.6(ALPL):c.1280A>C (p.Glu427Ala)

Gene: ALPL (alkaline phosphatase, biomineralization associated; plus strand). Cytogenetic location: 1p36.12.
Variant type: single nucleotide variant.
Coding change: c.1280A>C on transcript NM_000478.6 (MANE Select); coding-DNA position 1280, A replaced by C.
Protein change: p.Glu427Ala; replaces glutamic acid 427 with alanine.
Molecular consequence: missense variant.
Genome position (GRCh38, 1-based): chr1:21,576,612, A>C. VCF-style: chr1-21576612-A-C. GRCh37 (hg19) VCF-style: chr1-21903105-A-C.
Other names: c.1115A>C, p.Glu372Ala (NM_001127501.4); c.1049A>C, p.Glu350Ala (NM_001177520.3); c.1280A>C, p.Glu427Ala (NM_001369803.2, NM_001369804.2, NM_001369805.2); short protein forms E350A, E372A, E427A.
Identifiers: ClinVar variation 991461 (VCV000991461.3), dbSNP rs773907984, ClinGen allele CA666793.